The following is an entry in ClinVar:

NM_001042492.3(NF1):c.2266C>G (p.Gln756Glu)

Gene: NF1 (neurofibromin 1; plus strand). Cytogenetic location: 17q11.2.
Variant type: single nucleotide variant.
Coding change: c.2266C>G on transcript NM_001042492.3 (MANE Select); coding-DNA position 2266, C replaced by G.
Protein change: p.Gln756Glu; replaces glutamine 756 with glutamic acid.
Molecular consequence: missense variant.
Genome position (GRCh38, 1-based): chr17:31,227,232, C>G. VCF-style: chr17-31227232-C-G. GRCh37 (hg19) VCF-style: chr17-29554250-C-G.
Other names: c.2266C>G, p.Gln756Glu (NM_000267.4); short protein forms Q756E.
Identifiers: ClinVar variation 1041196 (VCV001041196.5), dbSNP rs1567847905, ClinGen allele CA398982712.
Genomic context (GRCh38, chr17:31,227,232, plus strand): 5'-CAGGGCTCTAAGTGCAGTAACTTGATTTGCTGTTGTATTTGCTTAGGAAGAGCAGCACTT[C>G]AGAAAAGAGTGATGGCACTGCTGAGGCGCATTGAGCATCCCACTGCAGGAAACACTGAGG-3'
Protein context (NP_001035957.1, residues 746-766): NMMSTGRAAL[Gln756Glu]KRVMALLRRI

ClinVar aggregate classification (germline): Uncertain significance (1 of 4 stars; one submission).

Conditions:
Neurofibromatosis, type 1 (NF1). Also called: VON RECKLINGHAUSEN DISEASE; NEUROFIBROMATOSIS, TYPE I, SOMATIC; Peripheral type neurofibromatosis; Neurofibromatosis, type I. Identifiers: Orphanet 636, MedGen C0027831, MONDO:0018975, OMIM 162200. Disease mechanism: loss of function.

Allele frequency attached by ClinVar (database versions not stated): gnomAD exomes below 0.00001.
gnomAD v4.1: 1 of 1,613,680 alleles (0.000062%); highest among the groups gnomAD compares: Non-Finnish European, 0.000085%; no homozygotes.

Submission:

Labcorp Genetics (formerly Invitae), Labcorp
Classification: Uncertain significance for Neurofibromatosis, type 1. Last evaluated: 2020-09-26. Review status: criteria provided, single submitter. Criteria: Invitae Variant Classification Sherloc (09022015). Collection method: clinical testing. Allele origin: germline.
Comment: In summary, the available evidence is currently insufficient to determine the role of this variant in disease. Therefore, it has been classified as a Variant of Uncertain Significance. Advanced modeling of protein sequence and biophysical properties (such as structural, functional, and spatial information, amino acid conservation, physicochemical variation, residue mobility, and thermodynamic stability) performed at Invitae indicates that this missense variant is expected to disrupt NF1 protein function. This variant has not been reported in the literature in individuals with NF1-related conditions. This variant is not present in population databases (ExAC no frequency). This sequence change replaces glutamine with glutamic acid at codon 756 of the NF1 protein (p.Gln756Glu). The glutamine residue is moderately conserved and there is a small physicochemical difference between glutamine and glutamic acid.